The following is an entry in ClinVar:

NM_001277115.2(DNAH11):c.1930C>T (p.Arg644Ter)

Gene: DNAH11 (dynein axonemal heavy chain 11; plus strand). Cytogenetic location: 7p15.3.
Variant type: single nucleotide variant.
Coding change: c.1930C>T on transcript NM_001277115.2 (MANE Select); coding-DNA position 1930, C replaced by T.
Protein change: p.Arg644Ter; replaces arginine 644 with a stop codon.
Molecular consequence: nonsense.
Genome position (GRCh38, 1-based): chr7:21,588,593, C>T. VCF-style: chr7-21588593-C-T. GRCh37 (hg19) VCF-style: chr7-21628211-C-T.
Other names: c.1930C>T, p.Arg644Ter (NM_003777.3); short protein forms R644*.
Identifiers: ClinVar variation 2871335 (VCV002871335.5), dbSNP rs1228238442, ClinGen allele CA366939390.
Genomic context (GRCh38, chr7:21,588,593, plus strand): 5'-CTTAACAAGAACATGCCATTTACCTCAGGAAATATGAAATGGGCCCAGCAGGTTCTCCAA[C>T]GACTTCAAATGTTTTGGTCAAACTTCGCATCTCTCCGTTATCTGTAAGTAGTTAAGCTTA-3'

ClinVar aggregate classification (germline): Pathogenic/Likely pathogenic. Review status: criteria provided, multiple submitters, no conflicts (2 of 4 stars). 3 submissions from 3 submitters: Pathogenic (1); Likely pathogenic (2). Last evaluated 2024-12-03.

Conditions:
DNAH11-related disorders.
Primary ciliary dyskinesia. Also called: Ciliary dyskinesia. Identifiers: Orphanet 244, MedGen C0008780, MONDO:0016575, HP:0012265.

Allele frequency attached by ClinVar (database versions not stated): gnomAD 0.00001; gnomAD exomes 0.00001; TOPMed 0.00001.
gnomAD v4.1: 9 of 1,613,538 alleles (0.00056%); highest among the groups gnomAD compares: South Asian, 0.0022%; no homozygotes.

Submissions (3):

Labcorp Genetics (formerly Invitae), Labcorp
Classification: Pathogenic for Primary ciliary dyskinesia. Last evaluated: 2024-12-03. Review status: criteria provided, single submitter. Criteria: Invitae Variant Classification Sherloc (09022015). Collection method: clinical testing. Allele origin: germline.
Comment: This sequence change creates a premature translational stop signal (p.Arg644*) in the DNAH11 gene. It is expected to result in an absent or disrupted protein product. Loss-of-function variants in DNAH11 are known to be pathogenic (PMID: 18022865, 20513915, 22184204). This variant is not present in population databases (gnomAD no frequency). This variant has not been reported in the literature in individuals affected with DNAH11-related conditions. ClinVar contains an entry for this variant (Variation ID: 2871335). Algorithms developed to predict the effect of sequence changes on RNA splicing suggest that this variant may disrupt the consensus splice site. For these reasons, this variant has been classified as Pathogenic.

Laboratory for Molecular Medicine, Mass General Brigham Personalized Medicine
Classification: Likely pathogenic for Primary ciliary dyskinesia. Last evaluated: 2023-12-18. Review status: criteria provided, single submitter. Criteria: ACMG Guidelines, 2015. Collection method: clinical testing. Allele origin: germline. Inheritance: Autosomal recessive inheritance.
Comment: The p.Arg644X variant in DNAH11 has not been previously reported in individuals with primary ciliary dyskinesia (PCD) nor in large population studies (gnomAD v.3.1.2). This nonsense variant leads to a premature termination codon at position 644, which is predicted to lead to a truncated or absent protein. Biallelic loss of function of the DNAH11 gene is an established disease mechanism in autosomal recessive PCD. In summary, although additional studies are required to fully establish its clinical significance, this variant meets criteria to be classified as likely pathogenic for autosomal recessive PCD. ACMG/AMP Criteria applied: PVS1, PM2_Supporting.

Blueprint Genetics
Classification: Likely pathogenic for DNAH11-related disorders. Last evaluated: 2023-06-06. Review status: criteria provided, single submitter. Criteria: ACMG Guidelines, 2015. Collection method: clinical testing. Allele origin: germline. Affected: yes. Observed: 2 variant alleles.

Literature cited by the submitters: PubMed 18022865 (cited by Labcorp Genetics (formerly Invitae), Labcorp); PubMed 20513915 (cited by Labcorp Genetics (formerly Invitae), Labcorp); PubMed 22184204 (cited by Labcorp Genetics (formerly Invitae), Labcorp).